The following is an entry in ClinVar:

NM_001083962.2(TCF4):c.840_841insGAGAAAG (p.Ser281fs)

Genes: TCF4 (transcription factor 4; minus strand), LOC126862757 (CDK7 strongly-dependent group 2 enhancer GRCh37_chr18:52936433-52937632; plus strand). Cytogenetic location: 18q21.2.
Variant type: Insertion.
Coding change: c.840_841insGAGAAAG on transcript NM_001083962.2 (MANE Select); coding-DNA positions 840 to 841, GAGAAAG inserted.
Protein change: p.Ser281fs; shifts the reading frame from serine 281.
Molecular consequence: frameshift variant.
Genome position: GRCh38 VCF-style: chr18-55269912-A-ACTTTCTC. GRCh37 (hg19) VCF-style: chr18-52937143-A-ACTTTCTC.
Other names: NM_001243230.2:c.834_835insGAGAAAG; c.1146_1147insGAGAAAG, p.Ser383fs (NM_001243226.3); c.768_769insGAGAAAG, p.Ser257fs (NM_001243227.2, NM_001306207.1, NM_001348217.1 and 9 more transcripts); c.858_859insGAGAAAG, p.Ser287fs (NM_001243228.2); c.834_835insGAGAAAG, p.Ser279fs (NM_001243230.2); c.714_715insGAGAAAG, p.Ser239fs (NM_001243231.2, NM_001348211.2); c.627_628insGAGAAAG, p.Ser210fs (NM_001243232.1, NM_001306208.1); c.450_451insGAGAAAG, p.Ser151fs (NM_001243233.2, NM_001330605.3, NM_001348212.2 and 1 more transcripts); and 5 more; short protein forms S210fs, S256fs, S279fs, S121fs, S239fs, S280fs, S383fs, S151fs.
Identifiers: ClinVar variation 2412760 (VCV002412760.1), dbSNP rs2512490654, ClinGen allele CA2573332504.

ClinVar aggregate classification (germline): Pathogenic (1 of 4 stars; one submission).

Conditions:
Pitt-Hopkins syndrome (PTHS). Also called: ENCEPHALOPATHY, SEVERE EPILEPTIC, WITH AUTONOMIC DYSFUNCTION; MENTAL RETARDATION, SYNDROMAL, WITH INTERMITTENT HYPERVENTILATION. Identifiers: Orphanet 2896, MedGen C1970431, MONDO:0012589, OMIM 610954.

Submission:

Broad Center for Mendelian Genomics, Broad Institute of MIT and Harvard
Classification: Pathogenic for Pitt-Hopkins syndrome. Last evaluated: 2023-01-25. Review status: criteria provided, single submitter. Criteria: ACMG Guidelines, 2015. Collection method: curation. Allele origin: germline.
Comment: Trio exome analysis showed this variant to be de novo. The p.Ser383GlufsTer8 variant in TCF4 has not been previously reported in individuals with Pitt-Hopkins syndrome. This variant was absent from large population studies. This variant is predicted to cause a frameshift, which alters the protein‚Äôs amino acid sequence beginning at position 383 and leads to a premature termination codon 8 amino acids downstream. This alteration is then predicted to lead to a truncated or absent protein. Heterozygous loss of function of the TCF4 gene is an established disease mechanism in autosomal dominant Pitt-Hopkins syndrome. In summary, this variant meets criteria to be classified as pathogenic for Pitt-Hopkins syndrome. ACMG/AMP Criteria applied: PVS1, PS2_Supporting, PM2_Supporting (Richards 2015).